The following is an entry in ClinVar:

ClinVar aggregate classification (germline): Uncertain significance (1 of 4 stars; one submission).

Conditions:
Ehlers-Danlos syndrome, type 4 (EDSVASC). Also called: Ehlers-Danlos Syndrome Type IV; Ehlers-Danlos syndrome vascular type; Ehlers Danlos syndrome, ecchymotic type; Ehlers Danlos syndrome, arterial type; Ehlers Danlos syndrome, Sack-Barabas type. Identifiers: Orphanet 286, MedGen C0268338, MONDO:0017314, OMIM 130050.

gnomAD v4.1: 3 of 1,613,898 alleles (0.00019%); highest among the groups gnomAD compares: Non-Finnish European, 0.000085%; no homozygotes.

Submission:

All of Us Research Program, National Institutes of Health
Classification: Uncertain significance for Ehlers-Danlos syndrome, type 4. Last evaluated: 2023-07-19. Review status: criteria provided, single submitter. Criteria: ACMG Guidelines, 2015. Collection method: clinical testing. Allele origin: germline. Inheritance: Autosomal dominant inheritance. Observed: 1 variant allele, 1 heterozygote.
Comment: This missense variant replaces threonine with proline at codon 19 of the COL3A1 protein. Computational prediction suggests that this variant may not impact protein structure and function (internally defined REVEL score threshold <= 0.5, PMID: 27666373). To our knowledge, functional studies have not been reported for this variant. This variant has not been reported in individuals affected with COL3A1-related disorders in the literature. This variant has not been identified in the general population by the Genome Aggregation Database (gnomAD). The available evidence is insufficient to determine the role of this variant in disease conclusively. Therefore, this variant is classified as a Variant of Uncertain Significance.

This study involves interpretation of variants in research participants for the purpose of population health screening. Participant phenotype was not available at the time of variant classification. Additional details can be found in publication PMID: 35346344, PMCID: PMC8962531

NM_000090.4(COL3A1):c.55A>C (p.Thr19Pro)

Gene: COL3A1 (collagen type III alpha 1 chain; plus strand). Cytogenetic location: 2q32.2.
Variant type: single nucleotide variant.
Coding change: c.55A>C on transcript NM_000090.4 (MANE Select); coding-DNA position 55, A replaced by C.
Protein change: p.Thr19Pro; replaces threonine 19 with proline.
Molecular consequence: missense variant.
Genome position (GRCh38, 1-based): chr2:188,974,544, A>C. VCF-style: chr2-188974544-A-C. GRCh37 (hg19) VCF-style: chr2-189839270-A-C.
Other names: short protein forms T19P.
Identifiers: ClinVar variation 3072467 (VCV003072467.1), dbSNP rs1300339107, ClinGen allele CA349845450.
Genomic context (GRCh38, chr2:188,974,544, plus strand): 5'-TTAGACATGATGAGCTTTGTGCAAAAGGGGAGCTGGCTACTTCTCGCTCTGCTTCATCCC[A>C]CTATTATTTTGGCACAACAGGAAGGTGAGTAGGTACTGATTTCAAGAAACTTTATGGGAT-3'
Protein context (NP_000081.2, residues 9-29): SWLLLALLHP[Thr19Pro]IILAQQEAVE